The following is an entry in ClinVar:

NM_130384.3(ATRIP):c.1197C>A (p.Asp399Glu)

Genes: ATRIP (ATR interacting protein; plus strand), ATRIP-TREX1 (ATRIP-TREX1 readthrough; plus strand). Cytogenetic location: 3p21.31.
Variant type: single nucleotide variant.
Coding change: c.1197C>A on transcript NM_130384.3 (MANE Select); coding-DNA position 1197, C replaced by A.
Protein change: p.Asp399Glu; replaces aspartic acid 399 with glutamic acid.
Molecular consequence: missense variant. On other transcripts: non-coding transcript variant (1).
Genome position (GRCh38, 1-based): chr3:48,460,251, C>A. VCF-style: chr3-48460251-C-A. GRCh37 (hg19) VCF-style: chr3-48501650-C-A.
Other names: c.816C>A, p.Asp272Glu (NM_001271022.2); c.918C>A, p.Asp306Glu (NM_001271023.2); c.1197C>A, p.Asp399Glu (NM_032166.4); short protein forms D306E, D399E, D272E.
Identifiers: ClinVar variation 4182306 (VCV004182306.1).
Genomic context (GRCh38, chr3:48,460,251, plus strand): 5'-GAACCTGGCATTCACTGGACTGAATCTGGTTGCCCGGAATGAGTGCTCACGTGATGGAGA[C>A]CCAGCAGAGGGAGGCAGAAGGGCCTTCCCACTCTGCCAGCTTCCTGGAGCCGTGCATTTC-3'
Protein context (NP_569055.1, residues 389-409): VARNECSRDG[Asp399Glu]PAEGGRRAFP

ClinVar aggregate classification (germline): Uncertain significance (1 of 4 stars; one submission).

Submission:

Ambry Genetics
Classification: Uncertain significance. Last evaluated: 2025-08-01. Review status: criteria provided, single submitter. Criteria: Ambry Variant Classification Scheme 2023. Collection method: clinical testing. Allele origin: germline.
Comment: The p.D399E variant (also known as c.1197C>A), located in coding exon 8 of the ATRIP gene, results from a C to A substitution at nucleotide position 1197. The aspartic acid at codon 399 is replaced by glutamic acid, an amino acid with highly similar properties. This amino acid position is conserved. In addition, this alteration is predicted to be tolerated by in silico analysis. Based on the available evidence, the clinical significance of this variant remains unclear.